The following is an entry in ClinVar:

ClinVar aggregate classification (germline): Uncertain significance. Review status: criteria provided, multiple submitters, no conflicts (2 of 4 stars). 2 submissions from 2 submitters: Uncertain significance (2). Last evaluated 2026-01-01.

gnomAD v4.1: 45 of 1,614,144 alleles (0.0028%); highest among the groups gnomAD compares: East Asian, 0.036%; no homozygotes.

Submissions (2):

CeGaT Center for Human Genetics Tuebingen
Classification: Uncertain significance. Last evaluated: 2026-01-01. Review status: criteria provided, single submitter. Criteria: CeGaT Center For Human Genetics Tuebingen Variant Classification Criteria Version 2. Collection method: clinical testing. Allele origin: germline. Affected: yes. Observed: 1 variant allele.
Comment: RAPGEF2: PS2:Supporting, BP4

Ambry Genetics
Classification: Uncertain significance. Last evaluated: 2024-04-12. Review status: criteria provided, single submitter. Criteria: Ambry Variant Classification Scheme 2023. Collection method: clinical testing. Allele origin: germline.

NM_001394067.2(RAPGEF2):c.3997C>T (p.Arg1333Cys)

Gene: RAPGEF2 (Rap guanine nucleotide exchange factor 2; plus strand). Cytogenetic location: 4q32.1.
Variant type: single nucleotide variant.
Coding change: c.3997C>T on transcript NM_001394067.2 (MANE Select); coding-DNA position 3997, C replaced by T.
Protein change: p.Arg1333Cys; replaces arginine 1333 with cysteine.
Molecular consequence: missense variant.
Genome position (GRCh38, 1-based): chr4:159,352,816, C>T. VCF-style: chr4-159352816-C-T. GRCh37 (hg19) VCF-style: chr4-160273968-C-T.
Other names: c.4072C>T, p.Arg1358Cys (NM_001351724.5); c.3649C>T, p.Arg1217Cys (NM_001351725.2, NM_001351726.3); c.3589C>T, p.Arg1197Cys (NM_001351727.4); c.3637C>T, p.Arg1213Cys (NM_001351728.4); c.3514C>T, p.Arg1172Cys (NM_014247.5); short protein forms R1217C, R1172C, R1333C, R1197C, R1213C, R1358C.
Identifiers: ClinVar variation 3312746 (VCV003312746.5).